The following is an entry in ClinVar:

ClinVar aggregate classification (germline): Uncertain significance (1 of 4 stars; one submission).

Allele frequency attached by ClinVar (database versions not stated): gnomAD 0.00001; gnomAD exomes 0.00001; TOPMed 0.00001.
gnomAD v4.1: 14 of 1,612,540 alleles (0.00087%); no homozygotes.

Submission:

Labcorp Genetics (formerly Invitae), Labcorp
Classification: Uncertain significance. Last evaluated: 2022-03-19. Review status: criteria provided, single submitter. Criteria: Invitae Variant Classification Sherloc (09022015). Collection method: clinical testing. Allele origin: germline.
Comment: In summary, the available evidence is currently insufficient to determine the role of this variant in disease. Therefore, it has been classified as a Variant of Uncertain Significance. Algorithms developed to predict the effect of missense changes on protein structure and function are either unavailable or do not agree on the potential impact of this missense change (SIFT: "Deleterious"; PolyPhen-2: "Benign"; Align-GVGD: "Class C0"). This variant has not been reported in the literature in individuals affected with DSCAML1-related conditions. This variant is present in population databases (no rsID available, gnomAD 0.03%). This sequence change replaces alanine, which is neutral and non-polar, with threonine, which is neutral and polar, at codon 2001 of the DSCAML1 protein (p.Ala2001Thr).

NM_020693.4(DSCAML1):c.5821G>A (p.Ala1941Thr)

Gene: DSCAML1 (DS cell adhesion molecule like 1; minus strand). Cytogenetic location: 11q23.3.
Variant type: single nucleotide variant.
Coding change: c.5821G>A on transcript NM_020693.4 (MANE Select); coding-DNA position 5821, G replaced by A.
Protein change: p.Ala1941Thr; replaces alanine 1941 with threonine.
Molecular consequence: missense variant.
Genome position (GRCh38, 1-based): chr11:117,428,669, C>T on the plus strand (G>A on the coding strand, the complement: DSCAML1 is on the minus strand). VCF-style: chr11-117428669-C-T. GRCh37 (hg19) VCF-style: chr11-117299385-C-T.
Other names: short protein forms A1941T.
Identifiers: ClinVar variation 1987905 (VCV001987905.4), dbSNP rs1461779264, ClinGen allele CA382751335.